The following is an entry in ClinVar:

NM_032447.5(FBN3):c.1381G>A (p.Gly461Ser)

Gene: FBN3 (fibrillin 3; minus strand). Cytogenetic location: 19p13.2.
Variant type: single nucleotide variant.
Coding change: c.1381G>A on transcript NM_032447.5 (MANE Select); coding-DNA position 1381, G replaced by A.
Protein change: p.Gly461Ser; replaces glycine 461 with serine.
Molecular consequence: missense variant.
Genome position (GRCh38, 1-based): chr19:8,136,274, C>T on the plus strand (G>A on the coding strand, the complement: FBN3 is on the minus strand). VCF-style: chr19-8136274-C-T. GRCh37 (hg19) VCF-style: chr19-8201158-C-T.
Other names: c.1381G>A, p.Gly461Ser (NM_001321431.2); short protein forms G461S.
Identifiers: ClinVar variation 3093362 (VCV003093362.2), dbSNP rs202142178, ClinGen allele CA9153348.

ClinVar aggregate classification (germline): Uncertain significance. Review status: criteria provided, multiple submitters, no conflicts (2 of 4 stars). 2 submissions from 2 submitters: Uncertain significance (2). Last evaluated 2025-09-03.

Allele frequency attached by ClinVar (database versions not stated): gnomAD exomes 0.00001; ExAC 0.00002; gnomAD 0.00005; TOPMed 0.00006; 1000 Genomes Project 30x 0.00016; 1000 Genomes Project 0.00020.

Submissions (2):

Labcorp Genetics (formerly Invitae), Labcorp
Classification: Uncertain significance. Last evaluated: 2025-09-03. Review status: criteria provided, single submitter. Criteria: Invitae Variant Classification Sherloc (09022015). Collection method: clinical testing. Allele origin: germline.
Comment: This sequence change replaces glycine, which is neutral and non-polar, with serine, which is neutral and polar, at codon 461 of the FBN3 protein (p.Gly461Ser). This variant is present in population databases (rs202142178, gnomAD 0.007%). This missense change has been observed in individual(s) with clinical features of FBN3-related conditions (PMID: 33057194). ClinVar contains an entry for this variant (Variation ID: 3093362). Invitae Evidence Modeling of protein sequence and biophysical properties (such as structural, functional, and spatial information, amino acid conservation, physicochemical variation, residue mobility, and thermodynamic stability) has been performed for this missense variant. However, the output from this modeling did not meet the statistical confidence thresholds required to predict the impact of this variant on FBN3 protein function. In summary, the available evidence is currently insufficient to determine the role of this variant in disease. Therefore, it has been classified as a Variant of Uncertain Significance.

Ambry Genetics
Classification: Uncertain significance. Last evaluated: 2024-01-16. Review status: criteria provided, single submitter. Criteria: Ambry Variant Classification Scheme 2023. Collection method: clinical testing. Allele origin: germline.

Literature cited by the submitters: PubMed 33057194 (cited by Labcorp Genetics (formerly Invitae), Labcorp).